The following is an entry in ClinVar:

NM_004656.4(BAP1):c.1036G>A (p.Val346Ile)

Gene: BAP1 (BRCA1 associated deubiquitinase 1; minus strand). Cytogenetic location: 3p21.1.
Variant type: single nucleotide variant.
Coding change: c.1036G>A on transcript NM_004656.4 (MANE Select); coding-DNA position 1036, G replaced by A.
Protein change: p.Val346Ile; replaces valine 346 with isoleucine.
Molecular consequence: missense variant.
Genome position (GRCh38, 1-based): chr3:52,405,190, C>T on the plus strand (G>A on the coding strand, the complement: BAP1 is on the minus strand). VCF-style: chr3-52405190-C-T. GRCh37 (hg19) VCF-style: chr3-52439206-C-T.
Other names: short protein forms V346I.
Identifiers: ClinVar variation 920397 (VCV000920397.12), dbSNP rs1705109194, ClinGen allele CA353105833.
Genomic context (GRCh38, chr3:52,405,190, plus strand): 5'-AATTGTGATTGTCTAGAAAGGCCGGCAGCCGCTGGACAATGGGAGTGGGGTTGGGGTGAA[C>T]CCCATTGAGGCTGCTGCCTGGAGGCTTCACCACTAGCTTGGGTTTGTTGGGAGGGCTGTG-3'
Protein context (NP_004647.1, residues 336-356): VKPPGSSLNG[Val346Ile]HPNPTPIVQR

ClinVar aggregate classification (germline): Uncertain significance. Review status: criteria provided, multiple submitters, no conflicts (2 of 4 stars). 4 submissions from 4 submitters: Uncertain significance (4). Last evaluated 2024-05-07.

Conditions:
Hereditary cancer-predisposing syndrome. Also called: Neoplastic Syndromes, Hereditary; Tumor predisposition; Hereditary Cancer Syndrome; Hereditary neoplastic syndrome. Identifiers: Orphanet 140162, MedGen C0027672, MeSH D009386, MONDO:0015356.
BAP1-related tumor predisposition syndrome (TPDS1). Also called: Tumor susceptibility linked to germline BAP1 mutations; COMMON Syndrome; TUMOR PREDISPOSITION SYNDROME 1; BAP1 tumor predisposition syndrome. Identifiers: Orphanet 289539, MedGen C3280492, MONDO:0013692, OMIM 614327.

gnomAD v4.1: 1 of 1,614,094 alleles (0.000062%); highest among the groups gnomAD compares: East Asian, 0.0022%; no homozygotes.

Submissions (4):

GeneDx
Classification: Uncertain significance. Last evaluated: 2024-05-07. Review status: criteria provided, single submitter. Criteria: GeneDx Variant Classification Process June 2021. Collection method: clinical testing. Allele origin: germline. Affected: yes.
Comment: Not observed at significant frequency in large population cohorts (gnomAD); In silico analysis indicates that this missense variant does not alter protein structure/function; Has not been previously published as pathogenic or benign to our knowledge

Color Diagnostics, LLC DBA Color Health
Classification: Uncertain significance for Hereditary cancer-predisposing syndrome. Last evaluated: 2023-12-04. Review status: criteria provided, single submitter. Criteria: ACMG Guidelines, 2015. Collection method: clinical testing. Allele origin: germline.
Comment: This missense variant replaces valine with isoleucine at codon 346 of the BAP1 protein. Computational prediction suggests that this variant may not impact protein structure and function (internally defined REVEL score threshold <= 0.5, PMID: 27666373). To our knowledge, functional studies have not been reported for this variant. This variant has not been reported in individuals affected with BAP1-related disorders in the literature. This variant has not been identified in the general population by the Genome Aggregation Database (gnomAD). The available evidence is insufficient to determine the role of this variant in disease conclusively. Therefore, this variant is classified as a Variant of Uncertain Significance.

Labcorp Genetics (formerly Invitae), Labcorp
Classification: Uncertain significance for BAP1-related tumor predisposition syndrome. Last evaluated: 2022-10-16. Review status: criteria provided, single submitter. Criteria: Invitae Variant Classification Sherloc (09022015). Collection method: clinical testing. Allele origin: germline.
Comment: In summary, the available evidence is currently insufficient to determine the role of this variant in disease. Therefore, it has been classified as a Variant of Uncertain Significance. Algorithms developed to predict the effect of sequence changes on RNA splicing suggest that this variant may create or strengthen a splice site. Advanced modeling of protein sequence and biophysical properties (such as structural, functional, and spatial information, amino acid conservation, physicochemical variation, residue mobility, and thermodynamic stability) performed at Invitae indicates that this missense variant is not expected to disrupt BAP1 protein function. ClinVar contains an entry for this variant (Variation ID: 920397). This variant has not been reported in the literature in individuals affected with BAP1-related conditions. This variant is not present in population databases (gnomAD no frequency). This sequence change replaces valine, which is neutral and non-polar, with isoleucine, which is neutral and non-polar, at codon 346 of the BAP1 protein (p.Val346Ile).

Ambry Genetics
Classification: Uncertain significance for Hereditary cancer-predisposing syndrome. Last evaluated: 2021-07-13. Review status: criteria provided, single submitter. Criteria: Ambry Variant Classification Scheme 2023. Collection method: clinical testing. Allele origin: germline.
Comment: The p.V346I variant (also known as c.1036G>A), located in coding exon 11 of the BAP1 gene, results from a G to A substitution at nucleotide position 1036. The valine at codon 346 is replaced by isoleucine, an amino acid with highly similar properties. This amino acid position is not well conserved in available vertebrate species. In addition, this alteration is predicted to be tolerated by in silico analysis. Since supporting evidence is limited at this time, the clinical significance of this alteration remains unclear.